The following is an entry in ClinVar:

ClinVar aggregate classification (germline): Uncertain significance (1 of 4 stars; one submission).

Conditions:
Familial thoracic aortic aneurysm and aortic dissection (TAAD). Also called: Thoracic aortic aneurysms and dissections. Identifiers: Orphanet 91387, MedGen C4707243, MONDO:0019625.

Submission:

Labcorp Genetics (formerly Invitae), Labcorp
Classification: Uncertain significance for Familial thoracic aortic aneurysm and aortic dissection. Last evaluated: 2025-06-15. Review status: criteria provided, single submitter. Criteria: Invitae Variant Classification Sherloc (09022015). Collection method: clinical testing. Allele origin: germline.
Comment: This sequence change replaces arginine, which is basic and polar, with threonine, which is neutral and polar, at codon 373 of the MAT2A protein (p.Arg373Thr). This variant is present in population databases (no rsID available, gnomAD 0.003%). This variant has not been reported in the literature in individuals affected with MAT2A-related conditions. Invitae Evidence Modeling of protein sequence and biophysical properties (such as structural, functional, and spatial information, amino acid conservation, physicochemical variation, residue mobility, and thermodynamic stability) indicates that this missense variant is not expected to disrupt MAT2A protein function with a negative predictive value of 80%. In summary, the available evidence is currently insufficient to determine the role of this variant in disease. Therefore, it has been classified as a Variant of Uncertain Significance.

NM_005911.6(MAT2A):c.1118G>C (p.Arg373Thr)

Genes: GGCX (gamma-glutamyl carboxylase; minus strand), MAT2A (methionine adenosyltransferase 2A; plus strand). Cytogenetic location: 2p11.2.
Variant type: single nucleotide variant.
Coding change: c.1118G>C on transcript NM_005911.6 (MANE Select); coding-DNA position 1118, G replaced by C.
Protein change: p.Arg373Thr; replaces arginine 373 with threonine.
Molecular consequence: missense variant.
Genome position (GRCh38, 1-based): chr2:85,543,702, G>C. VCF-style: chr2-85543702-G-C. GRCh37 (hg19) VCF-style: chr2-85770825-G-C.
Other names: short protein forms R373T.
Identifiers: ClinVar variation 4744879 (VCV004744879.1).